The following is an entry in ClinVar:

ClinVar aggregate classification (germline): Uncertain significance (1 of 4 stars; one submission).

gnomAD v4.1: 1 of 1,610,504 alleles (0.000062%); highest among the groups gnomAD compares: Non-Finnish European, 0.000085%; no homozygotes.

Submission:

Labcorp Genetics (formerly Invitae), Labcorp
Classification: Uncertain significance. Last evaluated: 2021-08-31. Review status: criteria provided, single submitter. Criteria: Invitae Variant Classification Sherloc (09022015). Collection method: clinical testing. Allele origin: germline.
Comment: This sequence change replaces threonine with arginine at codon 54 of the MYO7A protein (p.Thr54Arg). The threonine residue is moderately conserved and there is a moderate physicochemical difference between threonine and arginine. This variant is not present in population databases (ExAC no frequency). This variant has not been reported in the literature in individuals affected with MYO7A-related conditions. Advanced modeling of protein sequence and biophysical properties (such as structural, functional, and spatial information, amino acid conservation, physicochemical variation, residue mobility, and thermodynamic stability) performed at Invitae indicates that this missense variant is not expected to disrupt MYO7A protein function. In summary, the available evidence is currently insufficient to determine the role of this variant in disease. Therefore, it has been classified as a Variant of Uncertain Significance.

NM_000260.4(MYO7A):c.161C>G (p.Thr54Arg)

Gene: MYO7A (myosin VIIA; plus strand). Cytogenetic location: 11q13.5.
Variant type: single nucleotide variant.
Coding change: c.161C>G on transcript NM_000260.4 (MANE Select); coding-DNA position 161, C replaced by G.
Protein change: p.Thr54Arg; replaces threonine 54 with arginine.
Molecular consequence: missense variant.
Genome position (GRCh38, 1-based): chr11:77,147,826, C>G. VCF-style: chr11-77147826-C-G. GRCh37 (hg19) VCF-style: chr11-76858872-C-G.
Other names: c.161C>G, p.Thr54Arg (NM_001127180.2); c.128C>G, p.Thr43Arg (NM_001369365.1); short protein forms T43R, T54R.
Identifiers: ClinVar variation 1370385 (VCV001370385.3), dbSNP rs782568869, ClinGen allele CA381928699.